The following is an entry in ClinVar:

NM_144991.3(TSPEAR):c.1644C>T (p.Tyr548=)

Genes: TSPEAR (thrombospondin type laminin G domain and EAR repeats; minus strand), TSPEAR-AS1 (TSPEAR antisense RNA 1; plus strand), LOC126653398 (CDK7 strongly-dependent group 2 enhancer GRCh37_chr21:45928270-45929469; plus strand). Cytogenetic location: 21q22.3.
Variant type: single nucleotide variant.
Coding change: c.1644C>T on transcript NM_144991.3 (MANE Select); coding-DNA position 1644, C replaced by T.
Protein change: p.Tyr548=; no amino-acid change (tyrosine 548 retained).
Molecular consequence: synonymous variant. On other transcripts: non-coding transcript variant (1).
Genome position (GRCh38, 1-based): chr21:44,509,309, G>A on the plus strand (C>T on the coding strand, the complement: TSPEAR is on the minus strand). VCF-style: chr21-44509309-G-A. GRCh37 (hg19) VCF-style: chr21-45929192-G-A.
Other names: c.1440C>T, p.Tyr480= (NM_001272037.2).
Identifiers: ClinVar variation 227131 (VCV000227131.16), dbSNP rs115847549, ClinGen allele CA10056431.

ClinVar aggregate classification (germline): Benign. Review status: criteria provided, multiple submitters, no conflicts (2 of 4 stars). 4 submissions from 4 submitters: Benign (4). Last evaluated 2026-01-26.

Allele frequency attached by ClinVar (database versions not stated): gnomAD exomes 0.00183 and 0.00394; ExAC 0.00386; 1000 Genomes Project 0.00819; 1000 Genomes Project 30x 0.00828; gnomAD 0.01039 and 0.01106; TOPMed 0.01124; ESP Exome Variant Server 0.01207.
gnomAD v4.1: 4,438 of 1,613,960 alleles (0.27%); highest among the groups gnomAD compares: African/African-American, 3.2%; 58 homozygotes.

Submissions (4):

Labcorp Genetics (formerly Invitae), Labcorp
Classification: Benign. Last evaluated: 2026-01-26. Review status: criteria provided, single submitter. Criteria: Invitae Variant Classification Sherloc (09022015). Collection method: clinical testing. Allele origin: germline.

GeneDx
Classification: Benign. Last evaluated: 2017-11-03. Review status: criteria provided, single submitter. Criteria: GeneDx Variant Classification (06012015). Collection method: clinical testing. Allele origin: germline. Affected: yes.
Comment: This variant is considered likely benign or benign based on one or more of the following criteria: it is a conservative change, it occurs at a poorly conserved position in the protein, it is predicted to be benign by multiple in silico algorithms, and/or has population frequency not consistent with disease.

Laboratory for Molecular Medicine, Mass General Brigham Personalized Medicine
Classification: Benign. Last evaluated: 2014-11-24. Review status: criteria provided, single submitter. Criteria: LMM Criteria. Collection method: clinical testing. Allele origin: germline. Observed: 7 variant alleles.
Comment: Tyr548Tyr in exon 10 of TSPEAR: This variant is not expected to have clinical si gnificance because it does not alter an amino acid residue and is not located wi thin the splice consensus sequence. It has been identified in 3.1% (138/4406) of African American chromosomes from a broad population by the NHLBI Exome Sequenc ing Project (dbSNP rs115847549).

Breakthrough Genomics
Classification: Benign. Review status: criteria provided, single submitter. Criteria: ACMG Guidelines, 2015. Collection method: not provided. Allele origin: germline. Inheritance: Autosomal recessive inheritance. Affected: yes.